The following is an entry in ClinVar:

NM_001211.6(BUB1B):c.1985A>G (p.Gln662Arg)

Gene: BUB1B (BUB1 mitotic checkpoint serine/threonine kinase B; plus strand). Cytogenetic location: 15q15.1.
Variant type: single nucleotide variant.
Coding change: c.1985A>G on transcript NM_001211.6 (MANE Select); coding-DNA position 1985, A replaced by G.
Protein change: p.Gln662Arg; replaces glutamine 662 with arginine.
Molecular consequence: missense variant.
Genome position (GRCh38, 1-based): chr15:40,206,434, A>G. VCF-style: chr15-40206434-A-G. GRCh37 (hg19) VCF-style: chr15-40498635-A-G.
Other names: c.1985A>G (NM_001211.5); short protein forms Q662R.
Identifiers: ClinVar variation 1435494 (VCV001435494.9), dbSNP rs2037638055, ClinGen allele CA391692888.
Genomic context (GRCh38, chr15:40,206,434, plus strand): 5'-AAGATCTAGATGTAAAGACCTCTGAGGACCAGCAGACAGCTTGTGGCACTATCTACAGTC[A>G]GACTCTCAGCATCAAGAAGCTGAGGTGATTGGGGATTTACAGGTTTTACAAACCAGATTG-3'
Protein context (NP_001202.5, residues 652-672): QQTACGTIYS[Gln662Arg]TLSIKKLSPI

ClinVar aggregate classification (germline): Uncertain significance. Review status: criteria provided, multiple submitters, no conflicts (2 of 4 stars). 2 submissions from 2 submitters: Uncertain significance (2). Last evaluated 2022-11-10.

Conditions:
Inborn genetic diseases. Identifiers: MedGen C0950123, MeSH D030342.
Mosaic variegated aneuploidy syndrome 1 (MVA1). Also called: Warburton-Anyane-Yeboa syndrome. Identifiers: Orphanet 1052, MedGen C1850343, MONDO:0009759, OMIM 257300.

Allele frequency attached by ClinVar (database versions not stated): gnomAD exomes below 0.00001; TOPMed 0.00001.
gnomAD v4.1: 2 of 1,614,224 alleles (0.00012%); highest among the groups gnomAD compares: Non-Finnish European, 0.00017%; no homozygotes.

Submissions (2):

Ambry Genetics
Classification: Uncertain significance for Inborn genetic diseases. Last evaluated: 2022-11-10. Review status: criteria provided, single submitter. Criteria: Ambry Variant Classification Scheme 2023. Collection method: clinical testing. Allele origin: germline.
Comment: The p.Q662R variant (also known as c.1985A>G), located in coding exon 15 of the BUB1B gene, results from an A to G substitution at nucleotide position 1985. The glutamine at codon 662 is replaced by arginine, an amino acid with highly similar properties. This amino acid position is conserved. In addition, this alteration is predicted to be tolerated by in silico analysis. Since supporting evidence is limited at this time, the clinical significance of this alteration remains unclear.

Labcorp Genetics (formerly Invitae), Labcorp
Classification: Uncertain significance for Mosaic variegated aneuploidy syndrome 1. Last evaluated: 2021-05-27. Review status: criteria provided, single submitter. Criteria: Invitae Variant Classification Sherloc (09022015). Collection method: clinical testing. Allele origin: germline.
Comment: Algorithms developed to predict the effect of missense changes on protein structure and function (SIFT, PolyPhen-2, Align-GVGD) all suggest that this variant is likely to be tolerated, but these predictions have not been confirmed by published functional studies and their clinical significance is uncertain. In summary, the available evidence is currently insufficient to determine the role of this variant in disease. Therefore, it has been classified as a Variant of Uncertain Significance. This variant has not been reported in the literature in individuals with BUB1B-related conditions. This variant is not present in population databases (ExAC no frequency). This sequence change replaces glutamine with arginine at codon 662 of the BUB1B protein (p.Gln662Arg). The glutamine residue is weakly conserved and there is a small physicochemical difference between glutamine and arginine.